The following is an entry in ClinVar:

ClinVar aggregate classification (germline): Uncertain significance (1 of 4 stars; one submission).

Conditions:
PLXNA3-related disorder. Also called: PLXNA3-related condition.

gnomAD v4.1: 121 of 1,207,990 alleles (0.01%); highest among the groups gnomAD compares: Non-Finnish European, 0.013%; no homozygotes.

Submission:

PreventionGenetics, part of Exact Sciences
Classification: Uncertain significance for PLXNA3-related condition. Last evaluated: 2026-03-02. Review status: criteria provided, single submitter. Criteria: ACMG Guidelines, 2015. Collection method: clinical testing. Allele origin: germline.
Comment: The PLXNA3 c.4657G>C variant is predicted to result in the amino acid substitution p.Glu1553Gln. To our knowledge, this variant has not been reported in the literature. This variant is reported in 0.0086% of alleles in individuals of European (Non-Finnish) descent in gnomAD, including three hemizygous individuals. Although we suspect that this variant may be benign, at this time, the clinical significance of this variant is uncertain due to the absence of conclusive functional and genetic evidence.

NM_017514.5(PLXNA3):c.4657G>C (p.Glu1553Gln)

Gene: PLXNA3 (plexin A3; plus strand). Cytogenetic location: Xq28.
Variant type: single nucleotide variant.
Coding change: c.4657G>C on transcript NM_017514.5 (MANE Select); coding-DNA position 4657, G replaced by C.
Protein change: p.Glu1553Gln; replaces glutamic acid 1553 with glutamine.
Molecular consequence: missense variant.
Genome position (GRCh38, 1-based): chrX:154,469,441, G>C. VCF-style: chrX-154469441-G-C. GRCh37 (hg19) VCF-style: chrX-153697784-G-C.
Other names: short protein forms E1553Q.
Identifiers: ClinVar variation 3350617 (VCV003350617.2).